The following is an entry in ClinVar:

ClinVar aggregate classification (germline): Uncertain significance. Review status: criteria provided, multiple submitters, no conflicts (2 of 4 stars). 11 submissions from 7 submitters: Uncertain significance (11). Last evaluated 2026-07-01.

Conditions:
Cardiovascular phenotype. Identifiers: MedGen CN230736.
Autosomal recessive limb-girdle muscular dystrophy type 2J (LGMDR10). Also called: Limb-girdle muscular dystrophy, type 2J; MUSCULAR DYSTROPHY, LIMB-GIRDLE, AUTOSOMAL RECESSIVE 10. Identifiers: Orphanet 140922, MedGen C1837342, MONDO:0012127, OMIM 608807.
Dilated cardiomyopathy 1G (CMD1G). Identifiers: Orphanet 154, MedGen C1858763, MONDO:0011400, OMIM 604145.
Early-onset myopathy with fatal cardiomyopathy (CMYO5). Also called: CONGENITAL MYOPATHY 5 WITH CARDIOMYOPATHY; Salih Myopathy. Identifiers: Orphanet 289377, MedGen C2673677, MONDO:0012714, OMIM 611705. Disease mechanism: loss of function.
Myopathy, myofibrillar, 9, with early respiratory failure (MFM9). Also called: Hereditary myopathy with early respiratory failure; Myopathy, distal, with early respiratory failure, autosomal dominant; EDSTROM MYOPATHY; MYOPATHY, PROXIMAL, WITH EARLY RESPIRATORY MUSCLE INVOLVEMENT. Identifiers: Orphanet 178464, Orphanet 34521, MedGen C1863599, MONDO:0011362, OMIM 603689.
Tibial muscular dystrophy (TMD). Also called: Tibial muscular dystrophy, tardive; Udd Distal Myopathy – Tibial Muscular Dystrophy; UDD MYOPATHY. Identifiers: Orphanet 609, MedGen C1838244, MONDO:0010870, OMIM 600334.

Allele frequency attached by ClinVar (database versions not stated): gnomAD 0.00001; gnomAD exomes 0.00001; TOPMed 0.00002.
gnomAD v4.1: 95 of 1,611,146 alleles (0.0059%); highest among the groups gnomAD compares: Non-Finnish European, 0.0074%; no homozygotes.

Submissions (11):

CeGaT Center for Human Genetics Tuebingen
Classification: Uncertain significance. Last evaluated: 2026-07-01. Review status: criteria provided, single submitter. Criteria: CeGaT Center For Human Genetics Tuebingen Variant Classification Criteria Version 2. Collection method: clinical testing. Allele origin: germline. Affected: yes. Observed: 1 variant allele.
Comment: TTN: PM2

GeneDx
Classification: Uncertain significance. Last evaluated: 2024-08-20. Review status: criteria provided, single submitter. Criteria: GeneDx Variant Classification Process June 2021. Collection method: clinical testing. Allele origin: germline. Affected: yes.
Comment: Reported in a patient with BannayanRileyRuvalcaba syndrome; however, additional clinical information was not provided (PMID: 29263846); Not observed at significant frequency in large population cohorts (gnomAD); Missense variant in a gene in which most reported pathogenic variants are truncating/loss of function; This variant is associated with the following publications: (PMID: 29263846)

Ambry Genetics
Classification: Uncertain significance for Cardiovascular phenotype. Last evaluated: 2020-09-25. Review status: criteria provided, single submitter. Criteria: Ambry Variant Classification Scheme 2023. Collection method: clinical testing. Allele origin: germline.
Comment: The p.S21540T variant (also known as c.64618T>A), located in coding exon 164 of the TTN gene, results from a T to A substitution at nucleotide position 64618. The serine at codon 21540 is replaced by threonine, an amino acid with similar properties. This variant (referred to as p.S30605T, c.91813T>A) has been detected in a cohort with Bannayan-Riley-Ruvalcaba syndrome or related features; however, details were limited (Yehia L et al. NPJ Genom Med, 2017 Dec;2:37). This amino acid position is highly conserved in available vertebrate species. In addition, this alteration is predicted to be tolerated by in silico analysis. Since supporting evidence is limited at this time, the clinical significance of this alteration remains unclear.

Revvity Omics, Revvity
Classification: Uncertain significance. Last evaluated: 2019-07-03. Review status: criteria provided, single submitter. Criteria: ACMG Guidelines, 2015. Collection method: clinical testing. Allele origin: germline.

Athena Diagnostics
Classification: Uncertain significance. Last evaluated: 2018-03-07. Review status: criteria provided, single submitter. Criteria: Athena Diagnostics Criteria. Collection method: clinical testing. Allele origin: germline.

Illumina Laboratory Services, Illumina
Classification: Uncertain significance for Early-onset myopathy with fatal cardiomyopathy. Last evaluated: 2018-01-13. Review status: criteria provided, single submitter. Criteria: ICSL Variant Classification Criteria 13 December 2019. Collection method: clinical testing. Allele origin: germline.

Illumina Laboratory Services, Illumina
Classification: Uncertain significance for Autosomal recessive limb-girdle muscular dystrophy type 2J. Last evaluated: 2018-01-13. Review status: criteria provided, single submitter. Criteria: ICSL Variant Classification Criteria 13 December 2019. Collection method: clinical testing. Allele origin: germline.

Illumina Laboratory Services, Illumina
Classification: Uncertain significance for Myopathy, myofibrillar, 9, with early respiratory failure. Last evaluated: 2018-01-13. Review status: criteria provided, single submitter. Criteria: ICSL Variant Classification Criteria 13 December 2019. Collection method: clinical testing. Allele origin: germline.

Illumina Laboratory Services, Illumina
Classification: Uncertain significance for Dilated cardiomyopathy 1G. Last evaluated: 2018-01-13. Review status: criteria provided, single submitter. Criteria: ICSL Variant Classification Criteria 13 December 2019. Collection method: clinical testing. Allele origin: germline.

Illumina Laboratory Services, Illumina
Classification: Uncertain significance for Tibial muscular dystrophy. Last evaluated: 2018-01-13. Review status: criteria provided, single submitter. Criteria: ICSL Variant Classification Criteria 13 December 2019. Collection method: clinical testing. Allele origin: germline.

Labcorp Genetics (formerly Invitae), Labcorp
Classification: Uncertain significance for Dilated cardiomyopathy 1G; Autosomal recessive limb-girdle muscular dystrophy type 2J. Last evaluated: 2017-10-31. Review status: criteria provided, single submitter. Criteria: Invitae Variant Classification Sherloc (09022015). Collection method: clinical testing. Allele origin: germline.

Literature cited by the submitters: PubMed 29263846 (cited by Ambry Genetics).

NM_001267550.2(TTN):c.91813T>A (p.Ser30605Thr)

Genes: TTN (titin; minus strand), TTN-AS1 (TTN antisense RNA 1; plus strand). Cytogenetic location: 2q31.2.
Variant type: single nucleotide variant.
Coding change: c.91813T>A on transcript NM_001267550.2 (MANE Select); coding-DNA position 91813, T replaced by A.
Protein change: p.Ser30605Thr; replaces serine 30605 with threonine.
Molecular consequence: missense variant.
Genome position (GRCh38, 1-based): chr2:178,550,025, A>T on the plus strand (T>A on the coding strand, the complement: TTN is on the minus strand). VCF-style: chr2-178550025-A-T. GRCh37 (hg19) VCF-style: chr2-179414752-A-T.
Other names: c.91813T>A (LRG_391t1); c.86890T>A, p.Ser28964Thr (NM_001256850.1); c.64618T>A, p.Ser21540Thr (NM_003319.4); c.84109T>A, p.Ser28037Thr (NM_133378.4); c.64993T>A, p.Ser21665Thr (NM_133432.3); c.65194T>A, p.Ser21732Thr (NM_133437.4); short protein forms S30605T, S21540T, S21665T, S21732T, S28037T, S28964T.
Identifiers: ClinVar variation 405124 (VCV000405124.14), dbSNP rs984360776, ClinGen allele CA16610234.